The following is an entry in ClinVar:

ClinVar aggregate classification (germline): Pathogenic (1 of 4 stars; one submission).

Conditions:
Retinoblastoma (RB1). Also called: RETINOBLASTOMA, SOMATIC. Identifiers: Orphanet 790, MedGen C0035335, MeSH D012175, MONDO:0008380, OMIM 180200, HP:0009919. Disease mechanism: loss of function. Inheritance: Both sporadic and heritable forms are tested..

Submission:

Labcorp Genetics (formerly Invitae), Labcorp
Classification: Pathogenic for Retinoblastoma. Last evaluated: 2023-03-26. Review status: criteria provided, single submitter. Criteria: Invitae Variant Classification Sherloc (09022015). Collection method: clinical testing. Allele origin: germline.
Comment: For these reasons, this variant has been classified as Pathogenic. A similar copy number variant has been observed in individual(s) with bilateral and unilateral retinoblastoma (PMID: 8118465, 15591264). In at least one individual the variant was observed to be de novo. This variant is a gross deletion of the genomic region encompassing exon(s) 24 of the RB1 gene. This deletion is out-of-frame, and is expected to create a premature termination codon and result in an absent or disrupted protein product. Loss-of-function variants in RB1 are known to be pathogenic (PMID: 17096365).

Literature cited by the submitters: PubMed 8118465; PubMed 15591264; PubMed 17096365.

NC_000013.10:g.(?_49046098)_(49047536_?)del

Gene: RB1 (RB transcriptional corepressor 1; plus strand). Cytogenetic location: 13q14.2.
Variant type: Deletion.
Identifiers: ClinVar variation 2422872 (VCV002422872.3).